The following is an entry in ClinVar:

ClinVar aggregate classification (germline): Benign. Review status: criteria provided, multiple submitters, no conflicts (2 of 4 stars). 4 submissions from 4 submitters: Benign (4). Last evaluated 2026-09-08.

Conditions:
ALDH4A1-related disorder. Also called: ALDH4A1-related condition.
Hyperprolinemia type 2 (HYRPRO2). Also called: Delta-1-pyrroline-5-carboxylate dehydrogenase deficiency; 1-PYRROLINE-5-CARBOXYLATE DEHYDROGENASE DEFICIENCY; Deficiency of pyrroline-5-carboxylate reductase. Identifiers: Orphanet 79101, MedGen C2931835, MONDO:0009401, OMIM 239510.

Allele frequency attached by ClinVar (database versions not stated): gnomAD exomes 0.02296 and 0.02981; ExAC 0.03241; gnomAD 0.06084 and 0.06385; 1000 Genomes Project 0.06510; ESP Exome Variant Server 0.06543; TOPMed 0.06590; 1000 Genomes Project 30x 0.06605.
gnomAD v4.1: 43,270 of 1,614,068 alleles (2.7%); highest among the groups gnomAD compares: African/African-American, 16%; 1,434 homozygotes.

Submissions (4):

PreventionGenetics, part of Exact Sciences
Classification: Benign for ALDH4A1-related condition. Last evaluated: 2026-09-08. Review status: criteria provided, single submitter. Criteria: ACMG Guidelines, 2015. Collection method: clinical testing. Allele origin: germline.
Comment: This variant is classified as benign based on ACMG/AMP sequence variant interpretation guidelines (Richards et al. 2015 PMID: 25741868, with internal and published modifications).

Labcorp Genetics (formerly Invitae), Labcorp
Classification: Benign for Hyperprolinemia type 2. Last evaluated: 2026-02-02. Review status: criteria provided, single submitter. Criteria: Invitae Variant Classification Sherloc (09022015). Collection method: clinical testing. Allele origin: germline.

Illumina Laboratory Services, Illumina
Classification: Benign for Hyperprolinemia type 2. Last evaluated: 2018-01-12. Review status: criteria provided, single submitter. Criteria: ICSL Variant Classification Criteria 13 December 2019. Collection method: clinical testing. Allele origin: germline.
Comment: This variant was observed in the ICSL laboratory as part of a predisposition screen in an ostensibly healthy population. It had not been previously curated by ICSL or reported in the Human Gene Mutation Database (HGMD: prior to June 1st, 2018), and was therefore a candidate for classification through an automated scoring system. Utilizing variant allele frequency, disease prevalence and penetrance estimates, and inheritance mode, an automated score was calculated to assess if this variant is too frequent to cause the disease. Based on the score and internal cut-off values, a variant classified as benign is not then subjected to further curation. The score for this variant resulted in a classification of benign for this disease.

Breakthrough Genomics
Classification: Benign. Review status: criteria provided, single submitter. Criteria: ACMG Guidelines, 2015. Collection method: not provided. Allele origin: germline. Inheritance: Autosomal recessive inheritance. Affected: yes.

NM_003748.4(ALDH4A1):c.1548C>T (p.Gly516=)

Gene: ALDH4A1 (aldehyde dehydrogenase 4 family member A1; minus strand). Cytogenetic location: 1p36.13.
Variant type: single nucleotide variant.
Coding change: c.1548C>T on transcript NM_003748.4 (MANE Select); coding-DNA position 1548, C replaced by T.
Protein change: p.Gly516=; no amino-acid change (glycine 516 retained).
Molecular consequence: synonymous variant.
Genome position (GRCh38, 1-based): chr1:18,874,494, G>A on the plus strand (C>T on the coding strand, the complement: ALDH4A1 is on the minus strand). VCF-style: chr1-18874494-G-A. GRCh37 (hg19) VCF-style: chr1-19200988-G-A.
Other names: c.1548C>T (NM_170726.2); c.1368C>T, p.Gly456= (NM_001161504.2); c.1395C>T, p.Gly465= (NM_001319218.2); c.1548C>T, p.Gly516= (NM_170726.3).
Identifiers: ClinVar variation 294365 (VCV000294365.16), dbSNP rs61749348, ClinGen allele CA646857.